The following is an entry in ClinVar:

NM_030930.4(UNC93B1):c.1202G>A (p.Arg401His)

Gene: UNC93B1 (unc-93B1 regulator of TLR signaling; minus strand). Cytogenetic location: 11q13.2.
Variant type: single nucleotide variant.
Coding change: c.1202G>A on transcript NM_030930.4 (MANE Select); coding-DNA position 1202, G replaced by A.
Protein change: p.Arg401His; replaces arginine 401 with histidine.
Molecular consequence: missense variant.
Genome position (GRCh38, 1-based): chr11:67,995,772, C>T on the plus strand (G>A on the coding strand, the complement: UNC93B1 is on the minus strand). VCF-style: chr11-67995772-C-T. GRCh37 (hg19) VCF-style: chr11-67763243-C-T.
Other names: short protein forms R401H.
Identifiers: ClinVar variation 2153852 (VCV002153852.1), dbSNP rs1353651518, ClinGen allele CA381570708.
Genomic context (GRCh38, chr11:67,995,772, plus strand): 5'-AAAAAGAGGATGAAGGTGAGCAGCAGGTGCACCCCTGCTCCGGCCACCAGGGGCACCGGG[C>T]GTGGCAGCCACAGGCCCAGCAGGCCCAGGAGTGAGGCGGCTGAGGCGCCCAGGCTGTAAG-3'
Protein context (NP_112192.2, residues 391-411): LLGLLGLWLP[Arg401His]PVPLVAGAGV

ClinVar aggregate classification (germline): Uncertain significance (1 of 4 stars; one submission).

Conditions:
Encephalopathy, acute, infection-induced (herpes-specific), susceptibility to, 1. Also called: Herpes simplex encephalitis, susceptibility to, 1. Identifiers: Orphanet 1930, MedGen C2750180, MONDO:0024563, OMIM 610551.

Allele frequency attached by ClinVar (database versions not stated): gnomAD 0.00001; gnomAD exomes 0.00002; TOPMed 0.00002.

Submission:

Labcorp Genetics (formerly Invitae), Labcorp
Classification: Uncertain significance for Encephalopathy, acute, infection-induced (herpes-specific), susceptibility to, 1. Last evaluated: 2022-05-18. Review status: criteria provided, single submitter. Criteria: Invitae Variant Classification Sherloc (09022015). Collection method: clinical testing. Allele origin: germline.
Comment: This sequence change replaces arginine, which is basic and polar, with histidine, which is basic and polar, at codon 401 of the UNC93B1 protein (p.Arg401His). The frequency data for this variant in the population databases is considered unreliable, as metrics indicate poor data quality at this position in the gnomAD database. This variant has not been reported in the literature in individuals affected with UNC93B1-related conditions. Experimental studies and prediction algorithms are not available or were not evaluated, and the functional significance of this variant is currently unknown. In summary, the available evidence is currently insufficient to determine the role of this variant in disease. Therefore, it has been classified as a Variant of Uncertain Significance.